The following is an entry in ClinVar:

NM_004239.4(TRIP11):c.5469C>T (p.Asp1823=)

Gene: TRIP11 (thyroid hormone receptor interactor 11; minus strand). Cytogenetic location: 14q32.12.
Variant type: single nucleotide variant.
Coding change: c.5469C>T on transcript NM_004239.4 (MANE Select); coding-DNA position 5469, C replaced by T.
Protein change: p.Asp1823=; no amino-acid change (aspartic acid 1823 retained).
Molecular consequence: synonymous variant.
Genome position (GRCh38, 1-based): chr14:91,974,732, G>A on the plus strand (C>T on the coding strand, the complement: TRIP11 is on the minus strand). VCF-style: chr14-91974732-G-A. GRCh37 (hg19) VCF-style: chr14-92441076-G-A.
Other names: c.5466C>T, p.Asp1822= (NM_001321851.1).
Identifiers: ClinVar variation 885354 (VCV000885354.20), dbSNP rs762580256, ClinGen allele CA7313134.

ClinVar aggregate classification (germline): Conflicting classifications of pathogenicity. Review status: criteria provided, conflicting classifications (1 of 4 stars). 3 submissions from 3 submitters: Uncertain significance (1); Likely benign (2). Last evaluated 2024-09-01.

Conditions:
Achondrogenesis, type IA (ACG1A). Identifiers: Orphanet 932, Orphanet 93299, MedGen C0265273, MONDO:0008701, OMIM 200600.

Allele frequency attached by ClinVar (database versions not stated): gnomAD exomes 0.00002 and 0.00003; ExAC 0.00004; gnomAD 0.00005 and 0.00006; TOPMed 0.00005.
gnomAD v4.1: 34 of 1,610,570 alleles (0.0021%); highest among the groups gnomAD compares: African/African-American, 0.016%; no homozygotes.

Submissions (3):

CeGaT Center for Human Genetics Tuebingen
Classification: Likely benign. Last evaluated: 2024-09-01. Review status: criteria provided, single submitter. Criteria: CeGaT Center For Human Genetics Tuebingen Variant Classification Criteria Version 2. Collection method: clinical testing. Allele origin: germline. Affected: yes. Observed: 1 variant allele.
Comment: TRIP11: BP4, BP7

Labcorp Genetics (formerly Invitae), Labcorp
Classification: Likely benign for Achondrogenesis, type IA. Last evaluated: 2024-04-15. Review status: criteria provided, single submitter. Criteria: Invitae Variant Classification Sherloc (09022015). Collection method: clinical testing. Allele origin: germline.

Illumina Laboratory Services, Illumina
Classification: Uncertain significance for Achondrogenesis, type IA. Last evaluated: 2018-01-12. Review status: criteria provided, single submitter. Criteria: ICSL Variant Classification Criteria 13 December 2019. Collection method: clinical testing. Allele origin: germline.